The following is an entry in ClinVar:

ClinVar aggregate classification (germline): Uncertain significance. Review status: criteria provided, multiple submitters, no conflicts (2 of 4 stars). 3 submissions from 3 submitters: Uncertain significance (3). Last evaluated 2024-05-17.

Conditions:
Inborn genetic diseases. Identifiers: MedGen C0950123, MeSH D030342.
DYRK1A-related intellectual disability syndrome (MRD7). Also called: DYRK1A Syndrome; Intellectual developmental disorder, autosomal dominant 7. Identifiers: Orphanet 464306, MedGen C5568143, MONDO:0013578, OMIM 614104.

Allele frequency attached by ClinVar (database versions not stated): gnomAD exomes below 0.00001; gnomAD 0.00001; TOPMed 0.00002; ESP Exome Variant Server 0.00008.
gnomAD v4.1: 5 of 1,614,034 alleles (0.00031%); highest among the groups gnomAD compares: Non-Finnish European, 0.00042%; no homozygotes.

Submissions (3):

Labcorp Genetics (formerly Invitae), Labcorp
Classification: Uncertain significance for DYRK1A-related intellectual disability syndrome. Last evaluated: 2024-05-17. Review status: criteria provided, single submitter. Criteria: Invitae Variant Classification Sherloc (09022015). Collection method: clinical testing. Allele origin: germline.
Comment: This sequence change replaces serine, which is neutral and polar, with threonine, which is neutral and polar, at codon 477 of the DYRK1A protein (p.Ser477Thr). This variant is not present in population databases (gnomAD no frequency). This variant has not been reported in the literature in individuals affected with DYRK1A-related conditions. ClinVar contains an entry for this variant (Variation ID: 432542). Advanced modeling of protein sequence and biophysical properties (such as structural, functional, and spatial information, amino acid conservation, physicochemical variation, residue mobility, and thermodynamic stability) performed at Invitae indicates that this missense variant is not expected to disrupt DYRK1A protein function with a negative predictive value of 80%. In summary, the available evidence is currently insufficient to determine the role of this variant in disease. Therefore, it has been classified as a Variant of Uncertain Significance.

Ambry Genetics
Classification: Uncertain significance for Inborn genetic diseases. Last evaluated: 2021-11-18. Review status: criteria provided, single submitter. Criteria: Ambry Variant Classification Scheme 2023. Collection method: clinical testing. Allele origin: germline.
Comment: The c.1430G>C (p.S477T) alteration is located in exon 9 (coding exon 9) of the DYRK1A gene. This alteration results from a G to C substitution at nucleotide position 1430, causing the serine (S) at amino acid position 477 to be replaced by a threonine (T). This variant was not reported in population-based cohorts in the Genome Aggregation Database (gnomAD). This amino acid position is highly conserved in available vertebrate species. This missense alteration is located in a region that has a low rate of benign missense variation (Lek, 2016; Firth, 2009). This alteration is predicted to be tolerated by in silico analysis. Based on insufficient or conflicting evidence, the clinical significance of this alteration remains unclear.

GeneDx
Classification: Uncertain significance. Last evaluated: 2020-02-18. Review status: criteria provided, single submitter. Criteria: GeneDx Variant Classification Process June 2021. Collection method: clinical testing. Allele origin: germline. Affected: yes.
Comment: Not observed in large population cohorts (Lek et al., 2016); In silico analysis supports that this missense variant does not alter protein structure/function; Has not been previously published as pathogenic or benign to our knowledge

NM_001347721.2(DYRK1A):c.1403G>C (p.Ser468Thr)

Gene: DYRK1A (dual specificity tyrosine phosphorylation regulated kinase 1A; plus strand). Cytogenetic location: 21q22.13.
Variant type: single nucleotide variant.
Coding change: c.1403G>C on transcript NM_001347721.2 (MANE Select); coding-DNA position 1403, G replaced by C.
Protein change: p.Ser468Thr; replaces serine 468 with threonine.
Molecular consequence: missense variant.
Genome position (GRCh38, 1-based): chr21:37,505,473, G>C. VCF-style: chr21-37505473-G-C. GRCh37 (hg19) VCF-style: chr21-38877776-G-C.
Other names: c.1403G>C, p.Ser468Thr (NM_001347722.2, NM_130436.2); c.1316G>C, p.Ser439Thr (NM_001347723.2); c.1430G>C, p.Ser477Thr (NM_001396.5, NM_101395.2, NM_130438.2); short protein forms S477T, S468T, S439T.
Identifiers: ClinVar variation 432542 (VCV000432542.8), dbSNP rs372217349, ClinGen allele CA320464662.